The following is an entry in ClinVar:

NM_004082.5(DCTN1):c.1618G>A (p.Ala540Thr)

Gene: DCTN1 (dynactin subunit 1; minus strand). Cytogenetic location: 2p13.1.
Variant type: single nucleotide variant.
Coding change: c.1618G>A on transcript NM_004082.5 (MANE Select); coding-DNA position 1618, G replaced by A.
Protein change: p.Ala540Thr; replaces alanine 540 with threonine.
Molecular consequence: missense variant. On other transcripts: non-coding transcript variant (1).
Genome position (GRCh38, 1-based): chr2:74,369,181, C>T on the plus strand (G>A on the coding strand, the complement: DCTN1 is on the minus strand). VCF-style: chr2-74369181-C-T. GRCh37 (hg19) VCF-style: chr2-74596308-C-T.
Other names: c.1558G>A, p.Ala520Thr (NM_001135040.3); c.1216G>A, p.Ala406Thr (NM_001135041.3, NM_023019.4); c.1507G>A, p.Ala503Thr (NM_001190836.2); c.1597G>A, p.Ala533Thr (NM_001190837.2); c.1567G>A, p.Ala523Thr (NM_001378991.1); c.1549G>A, p.Ala517Thr (NM_001378992.1); short protein forms A520T, A523T, A503T, A517T, A406T, A540T, A533T.
Identifiers: ClinVar variation 2927443 (VCV002927443.4), dbSNP rs559598408, ClinGen allele CA1722088.

ClinVar aggregate classification (germline): Uncertain significance. Review status: criteria provided, single submitter (1 of 4 stars). 2 submissions from 2 submitters: Uncertain significance (1). 1 of the submissions does not count toward it. Last evaluated 2022-11-13.

Conditions:
DCTN1-related disorder. Also called: DCTN1-related condition.
Amyotrophic lateral sclerosis type 1 (ALS1). Also called: AMYOTROPHIC LATERAL SCLEROSIS 1, FAMILIAL. Identifiers: Orphanet 803, MedGen C1862939, MONDO:0007103, OMIM 105400.
Neuronopathy, distal hereditary motor, type 7B. Also called: NEURONOPATHY, DISTAL HEREDITARY MOTOR, AUTOSOMAL DOMINANT 14; NEURONOPATHY, DISTAL HEREDITARY MOTOR, HARDING TYPE VIIB; NEUROPATHY, DISTAL HEREDITARY MOTOR, HARDING TYPE VIIB; NEUROPATHY, DISTAL HEREDITARY MOTOR, WITH VOCAL CORD PARALYSIS, HARDING TYPE VIIB; Distal Hereditary Motor Neuronopathy Type 7B (dHMN7B); HMN VIIB. Identifiers: Orphanet 139589, MedGen C1843315, MONDO:0011879, OMIM 607641.
Perry syndrome. Also called: PARKINSONISM WITH ALVEOLAR HYPOVENTILATION AND MENTAL DEPRESSION. Identifiers: Orphanet 178509, MedGen C1868594, MONDO:0008201, OMIM 168605.

Allele frequency attached by ClinVar (database versions not stated): gnomAD exomes below 0.00001; TOPMed below 0.00001; gnomAD 0.00001; ExAC 0.00002; 1000 Genomes Project 0.00020; 1000 Genomes Project 30x 0.00031.
gnomAD v4.1: 6 of 1,614,262 alleles (0.00037%); highest among the groups gnomAD compares: South Asian, 0.0066%; no homozygotes.

Submissions (2):

Labcorp Genetics (formerly Invitae), Labcorp
Classification: Uncertain significance for Amyotrophic lateral sclerosis type 1; Neuronopathy, distal hereditary motor, type 7B; Perry syndrome. Last evaluated: 2022-11-13. Review status: criteria provided, single submitter. Criteria: Invitae Variant Classification Sherloc (09022015). Collection method: clinical testing. Allele origin: germline.
Comment: In summary, the available evidence is currently insufficient to determine the role of this variant in disease. Therefore, it has been classified as a Variant of Uncertain Significance. Advanced modeling of protein sequence and biophysical properties (such as structural, functional, and spatial information, amino acid conservation, physicochemical variation, residue mobility, and thermodynamic stability) performed at Invitae indicates that this missense variant is not expected to disrupt DCTN1 protein function. This variant has not been reported in the literature in individuals affected with DCTN1-related conditions. This variant is present in population databases (rs559598408, gnomAD 0.006%). This sequence change replaces alanine, which is neutral and non-polar, with threonine, which is neutral and polar, at codon 540 of the DCTN1 protein (p.Ala540Thr).

PreventionGenetics, part of Exact Sciences
Classification: Uncertain significance for DCTN1-related condition. Last evaluated: 2024-08-07. Review status: no assertion criteria provided. Collection method: clinical testing. Allele origin: germline. Not counted in ClinVar's aggregate classification.
Comment: The DCTN1 c.1618G>A variant is predicted to result in the amino acid substitution p.Ala540Thr. To our knowledge, this variant has not been reported in the literature. This variant is reported in 0.0065% of alleles in individuals of South Asian descent in gnomAD. At this time, the clinical significance of this variant is uncertain due to the absence of conclusive functional and genetic evidence.